The following is an entry in ClinVar:

NM_017763.6(RNF43):c.276T>G (p.Asn92Lys)

Gene: RNF43 (ring finger protein 43; minus strand). Cytogenetic location: 17q22.
Variant type: single nucleotide variant.
Coding change: c.276T>G on transcript NM_017763.6 (MANE Select); coding-DNA position 276, T replaced by G.
Protein change: p.Asn92Lys; replaces asparagine 92 with lysine.
Molecular consequence: missense variant.
Genome position (GRCh38, 1-based): chr17:58,371,010, A>C on the plus strand (T>G on the coding strand, the complement: RNF43 is on the minus strand). VCF-style: chr17-58371010-A-C. GRCh37 (hg19) VCF-style: chr17-56448371-A-C.
Other names: c.276T>G, p.Asn92Lys (NM_001305544.3); c.-106T>G (NM_001305545.2); short protein forms N92K.
Identifiers: ClinVar variation 3789894 (VCV003789894.2).

ClinVar aggregate classification (germline): Uncertain significance. Review status: criteria provided, multiple submitters, no conflicts (2 of 4 stars). 2 submissions from 2 submitters: Uncertain significance (2). Last evaluated 2025-02-25.

Submissions (2):

Labcorp Genetics (formerly Invitae), Labcorp
Classification: Uncertain significance. Last evaluated: 2025-02-25. Review status: criteria provided, single submitter. Criteria: Invitae Variant Classification Sherloc (09022015). Collection method: clinical testing. Allele origin: germline.
Comment: This sequence change replaces asparagine, which is neutral and polar, with lysine, which is basic and polar, at codon 92 of the RNF43 protein (p.Asn92Lys). This variant is not present in population databases (gnomAD no frequency). This variant has not been reported in the literature in individuals affected with RNF43-related conditions. An algorithm developed to predict the effect of missense changes on protein structure and function (PolyPhen-2) suggests that this variant is likely to be disruptive. In summary, the available evidence is currently insufficient to determine the role of this variant in disease. Therefore, it has been classified as a Variant of Uncertain Significance.

Ambry Genetics
Classification: Uncertain significance. Last evaluated: 2025-01-11. Review status: criteria provided, single submitter. Criteria: Ambry Variant Classification Scheme 2023. Collection method: clinical testing. Allele origin: germline.
Comment: The p.N92K variant (also known as c.276T>G), located in coding exon 2 of the RNF43 gene, results from a T to G substitution at nucleotide position 276. The asparagine at codon 92 is replaced by lysine, an amino acid with similar properties. This amino acid position is conserved. In addition, this alteration is predicted to be tolerated by in silico analysis. Based on the available evidence, the clinical significance of this variant remains unclear.